The following is an entry in ClinVar:

NM_001754.5(RUNX1):c.154A>G (p.Met52Val)

Gene: RUNX1 (RUNX family transcription factor 1; minus strand). Cytogenetic location: 21q22.12.
Variant type: single nucleotide variant.
Coding change: c.154A>G on transcript NM_001754.5 (MANE Select); coding-DNA position 154, A replaced by G.
Protein change: p.Met52Val; replaces methionine 52 with valine.
Molecular consequence: missense variant.
Genome position (GRCh38, 1-based): chr21:34,887,040, T>C on the plus strand (A>G on the coding strand, the complement: RUNX1 is on the minus strand). VCF-style: chr21-34887040-T-C. GRCh37 (hg19) VCF-style: chr21-36259337-T-C.
Other names: NM_001754.5(RUNX1):c.154A>G; p.Met52Val; c.73A>G, p.Met25Val (NM_001001890.3, NM_001122607.2); short protein forms M25V, M52V.
Identifiers: ClinVar variation 2750603 (VCV002750603.7), dbSNP rs2517487761, ClinGen allele CA410204103.

ClinVar aggregate classification (germline): Uncertain significance. Review status: reviewed by expert panel (3 of 4 stars). 4 submissions from 4 submitters: Uncertain significance (1). 3 of the submissions do not count toward it. Last evaluated 2025-01-15.

Conditions:
Hereditary thrombocytopenia and hematological cancer predisposition syndrome associated with RUNX1. Also called: Familial Platelet Disorder with Propensity to Acute Myelogenous Leukemia; Familial thrombocytopenia with propensity to acute myelogenous leukemia; PLATELET DISORDER, ASPIRIN-LIKE; RUNX1 Familial Platelet Disorder with Associated Myeloid Malignancies. Identifiers: Orphanet 71290, MedGen C1832388, MeSH C563324, MONDO:0100083, OMIM 601399.
Acute myeloid leukemia (AML). Also called: Acute myeloid leukemia, adult; AML adult; Acute non-lymphocytic leukemia; Acute granulocytic leukemia; Leukemia, acute myeloid, somatic; Leukemia, acute myelogenous, somatic. Identifiers: Orphanet 519, MedGen C0023467, MeSH D015470, MONDO:0018874, OMIM 601626, HP:0004808. Disease mechanism: Constitutively activated FLT3.
Inborn genetic diseases. Identifiers: MedGen C0950123, MeSH D030342.
Hereditary thrombocytopenia and hematologic cancer predisposition syndrome. Identifiers: Orphanet 71290, MedGen CN281654, MONDO:0011071.

Submissions (4):

ClinGen Myeloid Malignancy Variant Curation Expert Panel
Classification: Uncertain significance for Hereditary thrombocytopenia and hematologic cancer predisposition syndrome. Last evaluated: 2025-01-15. Review status: reviewed by expert panel. Criteria: ClinGen MyeloMalig ACMG Specifications v2. Collection method: curation. Allele origin: germline. Inheritance: Autosomal dominant inheritance.
Comment: NM_001754.5(RUNX1):c.154A>G (p.Met52Val) is a missense variant which is completely absent from all population databases with at least 20x coverage for RUNX1 (PM2_Supporting). In summary, the clinical significance of this variant is uncertain. ACMG/AMP criteria applied, as specified by the Myeloid Malignancy Variant Curation Expert Panel for RUNX1: PM2_supporting.

Ambry Genetics
Classification: Uncertain significance for Inborn genetic diseases. Last evaluated: 2026-07-06. Review status: criteria provided, single submitter. Criteria: Ambry Variant Classification Scheme 2023. Collection method: clinical testing. Allele origin: germline. Not counted in ClinVar's aggregate classification.
Comment: The p.M52V variant (also known as c.154A>G), located in coding exon 3 of the RUNX1 gene, results from an A to G substitution at nucleotide position 154. The methionine at codon 52 is replaced by valine, an amino acid with highly similar properties. This amino acid position is conserved. In addition, this alteration is predicted to be deleterious by in silico analysis. Based on the available evidence, the clinical significance of this variant remains unclear.

3billion
Classification: Likely benign for Acute myeloid leukemia; Hereditary thrombocytopenia and hematological cancer predisposition syndrome associated with RUNX1. Last evaluated: 2024-09-20. Review status: criteria provided, single submitter. Criteria: ACMG Guidelines, 2015. Collection method: clinical testing. Allele origin: germline. Affected: no. Not counted in ClinVar's aggregate classification.
Comment: The variant was identified in at least one patient who was diagnosed with a different variant in another gene and showed no symptoms related to the gene containing the variant in question. Additionally, It was found as homozygous in at least one patient wth no related symptoms.

Labcorp Genetics (formerly Invitae), Labcorp
Classification: Uncertain significance for Hereditary thrombocytopenia and hematological cancer predisposition syndrome associated with RUNX1. Last evaluated: 2023-08-09. Review status: criteria provided, single submitter. Criteria: Invitae Variant Classification Sherloc (09022015). Collection method: clinical testing. Allele origin: germline. Not counted in ClinVar's aggregate classification.
Comment: In summary, the available evidence is currently insufficient to determine the role of this variant in disease. Therefore, it has been classified as a Variant of Uncertain Significance. Advanced modeling of protein sequence and biophysical properties (such as structural, functional, and spatial information, amino acid conservation, physicochemical variation, residue mobility, and thermodynamic stability) has been performed at Invitae for this missense variant, however the output from this modeling did not meet the statistical confidence thresholds required to predict the impact of this variant on RUNX1 protein function. This variant has not been reported in the literature in individuals affected with RUNX1-related conditions. This variant is not present in population databases (gnomAD no frequency). This sequence change replaces methionine, which is neutral and non-polar, with valine, which is neutral and non-polar, at codon 52 of the RUNX1 protein (p.Met52Val).